The following is an entry in ClinVar:

NM_052867.4(NALCN):c.2939C>T (p.Ser980Leu)

Gene: NALCN (sodium leak channel, non-selective; minus strand). Cytogenetic location: 13q33.1.
Variant type: single nucleotide variant.
Coding change: c.2939C>T on transcript NM_052867.4 (MANE Select); coding-DNA position 2939, C replaced by T.
Protein change: p.Ser980Leu; replaces serine 980 with leucine.
Molecular consequence: missense variant.
Genome position (GRCh38, 1-based): chr13:101,103,290, G>A on the plus strand (C>T on the coding strand, the complement: NALCN is on the minus strand). VCF-style: chr13-101103290-G-A. GRCh37 (hg19) VCF-style: chr13-101755641-G-A.
Other names: c.3026C>T, p.Ser1009Leu (NM_001350748.2); c.2939C>T, p.Ser980Leu (NM_001350749.2); c.2852C>T, p.Ser951Leu (NM_001350750.2, NM_001350751.2); short protein forms S1009L, S951L, S980L.
Identifiers: ClinVar variation 2443626 (VCV002443626.1), dbSNP rs748664264, ClinGen allele CA7035536.

ClinVar aggregate classification (germline): Uncertain significance (1 of 4 stars; one submission).

Allele frequency attached by ClinVar (database versions not stated): ExAC 0.00001; gnomAD 0.00001; gnomAD exomes 0.00001; TOPMed 0.00001.
gnomAD v4.1: 14 of 1,613,720 alleles (0.00087%); highest among the groups gnomAD compares: Middle Eastern, 0.016%; no homozygotes.

Submission:

GeneDx
Classification: Uncertain significance. Last evaluated: 2022-09-07. Review status: criteria provided, single submitter. Criteria: GeneDx Variant Classification Process June 2021. Collection method: clinical testing. Allele origin: germline. Affected: yes.
Comment: In silico analysis supports that this missense variant has a deleterious effect on protein structure/function; Has not been previously published as pathogenic or benign to our knowledge